The following is an entry in ClinVar:

NM_006236.3(POU3F3):c.459C>T (p.Ala153=)

Gene: POU3F3 (POU class 3 homeobox 3; plus strand). Cytogenetic location: 2q12.1.
Variant type: single nucleotide variant.
Coding change: c.459C>T on transcript NM_006236.3 (MANE Select); coding-DNA position 459, C replaced by T.
Protein change: p.Ala153=; no amino-acid change (alanine 153 retained).
Molecular consequence: synonymous variant.
Genome position (GRCh38, 1-based): chr2:104,855,969, C>T. VCF-style: chr2-104855969-C-T. GRCh37 (hg19) VCF-style: chr2-105472427-C-T.
Other names: c.459C>T, p.Ala153= (NM_001433704.1).
Identifiers: ClinVar variation 4821064 (VCV004821064.4).
Genomic context (GRCh38, chr2:104,855,969, plus strand): 5'-CCAGCAGCCACCGCAGCCGCCGCCGCCACCGCCGCAGGGCCCCGACGTGAAGGGCGGCGC[C>T]GGGCGCGACGACCTGCACGCGGGCACAGCGCTGCACCACCGCGGGCCGCCGCACCTCGGA-3'
Protein context (NP_006227.1, residues 143-163): PPQGPDVKGG[Ala153=]GRDDLHAGTA

ClinVar aggregate classification (germline): Likely benign (1 of 4 stars; one submission).

gnomAD v4.1: 41 of 1,038,218 alleles (0.0039%); highest among the groups gnomAD compares: Non-Finnish European, 0.0047%; no homozygotes.

Submission:

CeGaT Center for Human Genetics Tuebingen
Classification: Likely benign. Last evaluated: 2026-01-01. Review status: criteria provided, single submitter. Criteria: CeGaT Center For Human Genetics Tuebingen Variant Classification Criteria Version 2. Collection method: clinical testing. Allele origin: germline. Affected: yes. Observed: 1 variant allele.
Comment: POU3F3: BP4, BP7